The following is an entry in ClinVar:

ClinVar aggregate classification (germline): Conflicting classifications of pathogenicity. Review status: criteria provided, conflicting classifications (1 of 4 stars). 6 submissions from 6 submitters: Uncertain significance (4); Likely benign (1). 1 of the submissions does not count toward it. Last evaluated 2025-06-19.

Conditions:
DGUOK-related disorder. Also called: DGUOK-related condition.
Inborn genetic diseases. Identifiers: MedGen C0950123, MeSH D030342.

Allele frequency attached by ClinVar (database versions not stated): ExAC 0.00006; gnomAD 0.00006; gnomAD exomes 0.00006; TOPMed 0.00007; ESP Exome Variant Server 0.00008; 1000 Genomes Project 30x 0.00016; 1000 Genomes Project 0.00020.
gnomAD v4.1: 104 of 1,613,848 alleles (0.0064%); highest among the groups gnomAD compares: Middle Eastern, 0.033%; no homozygotes.

Submissions (6):

Ambry Genetics
Classification: Uncertain significance for Inborn genetic diseases. Last evaluated: 2025-06-19. Review status: criteria provided, single submitter. Criteria: Ambry Variant Classification Scheme 2023. Collection method: clinical testing. Allele origin: germline.

Labcorp Genetics (formerly Invitae), Labcorp
Classification: Uncertain significance. Last evaluated: 2024-12-09. Review status: criteria provided, single submitter. Criteria: Invitae Variant Classification Sherloc (09022015). Collection method: clinical testing. Allele origin: germline.
Comment: This sequence change replaces asparagine, which is neutral and polar, with serine, which is neutral and polar, at codon 253 of the DGUOK protein (p.Asn253Ser). This variant is present in population databases (rs200169027, gnomAD 0.04%). This variant has not been reported in the literature in individuals affected with DGUOK-related conditions. ClinVar contains an entry for this variant (Variation ID: 214289). Invitae Evidence Modeling of protein sequence and biophysical properties (such as structural, functional, and spatial information, amino acid conservation, physicochemical variation, residue mobility, and thermodynamic stability) indicates that this missense variant is not expected to disrupt DGUOK protein function with a negative predictive value of 95%. In summary, the available evidence is currently insufficient to determine the role of this variant in disease. Therefore, it has been classified as a Variant of Uncertain Significance.

Mayo Clinic Laboratories, Mayo Clinic
Classification: Uncertain significance. Last evaluated: 2023-01-12. Review status: criteria provided, single submitter. Criteria: ACMG Guidelines, 2015. Collection method: clinical testing. Allele origin: germline. Observed: 2 variant alleles.
Comment: BP4, PM2

Eurofins Ntd Llc (ga)
Classification: Uncertain significance. Last evaluated: 2016-06-08. Review status: criteria provided, single submitter. Criteria: EGL Classification Definitions 2015. Collection method: clinical testing. Allele origin: germline. Observed: 1 variant allele, 1 heterozygote.

GeneDx
Classification: Likely benign. Last evaluated: 2011-10-18. Review status: criteria provided, single submitter. Criteria: GeneDx Variant Classification (06012015). Collection method: clinical testing. Allele origin: germline. Affected: yes.
Comment: This variant is considered likely benign or benign based on one or more of the following criteria: it is a conservative change, it occurs at a poorly conserved position in the protein, it is predicted to be benign by multiple in silico algorithms, and/or has population frequency not consistent with disease.

PreventionGenetics, part of Exact Sciences
Classification: Uncertain significance for DGUOK-related condition. Last evaluated: 2024-07-02. Review status: no assertion criteria provided. Collection method: clinical testing. Allele origin: germline. Not counted in ClinVar's aggregate classification.
Comment: The DGUOK c.758A>G variant is predicted to result in the amino acid substitution p.Asn253Ser. To our knowledge, this variant has not been reported in the literature. This variant is reported in 0.039% of alleles in individuals of Ashkenazi Jewish descent in gnomAD. At this time, the clinical significance of this variant is uncertain due to the absence of conclusive functional and genetic evidence.

NM_080916.3(DGUOK):c.758A>G (p.Asn253Ser)

Genes: DGUOK (deoxyguanosine kinase; plus strand), DGUOK-AS1 (DGUOK antisense RNA 1; minus strand). Cytogenetic location: 2p13.1.
Variant type: single nucleotide variant.
Coding change: c.758A>G on transcript NM_080916.3 (MANE Select); coding-DNA position 758, A replaced by G.
Protein change: p.Asn253Ser; replaces asparagine 253 with serine.
Molecular consequence: missense variant. On other transcripts: non-coding transcript variant (8).
Genome position (GRCh38, 1-based): chr2:73,958,196, A>G. VCF-style: chr2-73958196-A-G. GRCh37 (hg19) VCF-style: chr2-74185323-A-G.
Other names: p.N253S:AAT>AGT; p.Asn253Ser; c.476A>G, p.Asn159Ser (NM_001318859.2); c.467A>G, p.Asn156Ser (NM_001318860.2, NM_001318861.2); c.449A>G, p.Asn150Ser (NM_001318862.2, NM_001318863.2); c.494A>G, p.Asn165Ser (NM_080918.3); short protein forms N253S, N165S, N159S, N150S, N156S.
Identifiers: ClinVar variation 214289 (VCV000214289.18), dbSNP rs200169027, ClinGen allele CA322951.